The following is an entry in ClinVar:

ClinVar aggregate classification (germline): Uncertain significance (1 of 4 stars; one submission).

Submission:

GeneDx
Classification: Uncertain significance. Last evaluated: 2024-05-13. Review status: criteria provided, single submitter. Criteria: GeneDx Variant Classification Process June 2021. Collection method: clinical testing. Allele origin: germline. Affected: yes.
Comment: Not observed at significant frequency in large population cohorts (gnomAD); In silico analysis supports that this missense variant has a deleterious effect on protein structure/function; Has not been previously published as pathogenic or benign to our knowledge

NM_001205293.3(CACNA1E):c.1819C>T (p.Leu607Phe)

Gene: CACNA1E (calcium voltage-gated channel subunit alpha1 E; plus strand). Cytogenetic location: 1q25.3.
Variant type: single nucleotide variant.
Coding change: c.1819C>T on transcript NM_001205293.3 (MANE Select); coding-DNA position 1819, C replaced by T.
Protein change: p.Leu607Phe; replaces leucine 607 with phenylalanine.
Molecular consequence: missense variant.
Genome position (GRCh38, 1-based): chr1:181,720,273, C>T. VCF-style: chr1-181720273-C-T. GRCh37 (hg19) VCF-style: chr1-181689409-C-T.
Other names: c.1819C>T, p.Leu607Phe (NM_000721.4, NM_001205294.2); short protein forms L607F.
Identifiers: ClinVar variation 3378368 (VCV003378368.1).